The following is an entry in ClinVar:

ClinVar aggregate classification (germline): Uncertain significance (1 of 4 stars; one submission).

Conditions:
Epileptic encephalopathy. Identifiers: MedGen C0543888, HP:0200134.

Allele frequency attached by ClinVar (database versions not stated): TOPMed 0.00002; gnomAD exomes 0.00002.
gnomAD v4.1: 34 of 1,604,198 alleles (0.0021%); highest among the groups gnomAD compares: Non-Finnish European, 0.0028%; no homozygotes.

Submission:

Labcorp Genetics (formerly Invitae), Labcorp
Classification: Uncertain significance for Epileptic encephalopathy. Last evaluated: 2020-03-20. Review status: criteria provided, single submitter. Criteria: Invitae Variant Classification Sherloc (09022015). Collection method: clinical testing. Allele origin: germline.
Comment: This sequence change replaces lysine with glutamic acid at codon 893 of the RYR3 protein (p.Lys893Glu). The lysine residue is highly conserved and there is a small physicochemical difference between lysine and glutamic acid. This variant is not present in population databases (ExAC no frequency). This variant has not been reported in the literature in individuals with RYR3-related conditions. Algorithms developed to predict the effect of missense changes on protein structure and function (SIFT, PolyPhen-2, Align-GVGD) all suggest that this variant is likely to be disruptive, but these predictions have not been confirmed by published functional studies and their clinical significance is uncertain. In summary, the available evidence is currently insufficient to determine the role of this variant in disease. Therefore, it has been classified as a Variant of Uncertain Significance.

NM_001036.6(RYR3):c.2677A>G (p.Lys893Glu)

Gene: RYR3 (ryanodine receptor 3; plus strand). Cytogenetic location: 15q14.
Variant type: single nucleotide variant.
Coding change: c.2677A>G on transcript NM_001036.6 (MANE Select); coding-DNA position 2677, A replaced by G.
Protein change: p.Lys893Glu; replaces lysine 893 with glutamic acid.
Molecular consequence: missense variant.
Genome position (GRCh38, 1-based): chr15:33,628,573, A>G. VCF-style: chr15-33628573-A-G. GRCh37 (hg19) VCF-style: chr15-33920774-A-G.
Other names: c.2677A>G, p.Lys893Glu (NM_001243996.4); short protein forms K893E.
Identifiers: ClinVar variation 942565 (VCV000942565.9), dbSNP rs1332431637, ClinGen allele CA391569553.
Genomic context (GRCh38, chr15:33,628,573, plus strand): 5'-GCTGAAAACATCCATGAGCTTTGGGGAATGAATAAAATAGAACTTGGCTGGACTTTCGGC[A>G]AGGTATGTGTCTCAGGGCCAGGTTAGGGTGGAGGGTGGGATTGCCTTGTTGCCTGGAACT-3'
Protein context (NP_001027.3, residues 883-903): NKIELGWTFG[Lys893Glu]IRDDNKRQHP